The following is an entry in ClinVar:

NM_000587.4(C7):c.1782T>A (p.Asn594Lys)

Gene: C7 (complement C7; plus strand). Cytogenetic location: 5p13.1.
Variant type: single nucleotide variant.
Coding change: c.1782T>A on transcript NM_000587.4 (MANE Select); coding-DNA position 1782, T replaced by A.
Protein change: p.Asn594Lys; replaces asparagine 594 with lysine.
Molecular consequence: missense variant.
Genome position (GRCh38, 1-based): chr5:40,964,773, T>A. VCF-style: chr5-40964773-T-A. GRCh37 (hg19) VCF-style: chr5-40964875-T-A.
Other names: short protein forms N594K.
Identifiers: ClinVar variation 2008448 (VCV002008448.4), dbSNP rs2478244562, ClinGen allele CA359590793.

ClinVar aggregate classification (germline): Uncertain significance (1 of 4 stars; one submission).

Submission:

Labcorp Genetics (formerly Invitae), Labcorp
Classification: Uncertain significance. Last evaluated: 2022-06-19. Review status: criteria provided, single submitter. Criteria: Invitae Variant Classification Sherloc (09022015). Collection method: clinical testing. Allele origin: germline.
Comment: This variant is not present in population databases (gnomAD no frequency). In summary, the available evidence is currently insufficient to determine the role of this variant in disease. Therefore, it has been classified as a Variant of Uncertain Significance. Algorithms developed to predict the effect of missense changes on protein structure and function (SIFT, PolyPhen-2, Align-GVGD) all suggest that this variant is likely to be tolerated. This variant has not been reported in the literature in individuals affected with C7-related conditions. This sequence change replaces asparagine, which is neutral and polar, with lysine, which is basic and polar, at codon 594 of the C7 protein (p.Asn594Lys).